The following is an entry in ClinVar:

NM_000074.3(CD40LG):c.510T>G (p.Tyr170Ter)

Gene: CD40LG (CD40 ligand; plus strand). Cytogenetic location: Xq26.3.
Variant type: single nucleotide variant.
Coding change: c.510T>G on transcript NM_000074.3 (MANE Select); coding-DNA position 510, T replaced by G.
Protein change: p.Tyr170Ter; replaces tyrosine 170 with a stop codon.
Molecular consequence: nonsense.
Genome position (GRCh38, 1-based): chrX:136,659,139, T>G. VCF-style: chrX-136659139-T-G. GRCh37 (hg19) VCF-style: chrX-135741298-T-G.
Other names: short protein forms Y170*.
Identifiers: ClinVar variation 2111413 (VCV002111413.4), dbSNP rs2522117925, ClinGen allele CA414755773.

ClinVar aggregate classification (germline): Pathogenic (1 of 4 stars; one submission).

Conditions:
Hyper-IgM syndrome type 1. Also called: CD40 Ligand Deficiency; X-linked hyper-IgM syndrome; Immunodeficiency, X-linked, with hyper-IgM; Hyper-IgM Immunodeficiency Syndrome, Type 1. Identifiers: Orphanet 101088, MedGen C0398689, MONDO:0010626, OMIM 308230.

Submission:

Labcorp Genetics (formerly Invitae), Labcorp
Classification: Pathogenic for Hyper-IgM syndrome type 1. Last evaluated: 2022-10-25. Review status: criteria provided, single submitter. Criteria: Invitae Variant Classification Sherloc (09022015). Collection method: clinical testing. Allele origin: germline.
Comment: This sequence change creates a premature translational stop signal (p.Tyr170*) in the CD40LG gene. While this is not anticipated to result in nonsense mediated decay, it is expected to disrupt the last 92 amino acid(s) of the CD40LG protein. This variant is not present in population databases (gnomAD no frequency). This variant has not been reported in the literature in individuals affected with CD40LG-related conditions. This variant disrupts a region of the CD40LG protein in which other variant(s) (p.Gln232*) have been determined to be pathogenic (PMID: 8550833, 18805740). This suggests that this is a clinically significant region of the protein, and that variants that disrupt it are likely to be disease-causing. For these reasons, this variant has been classified as Pathogenic.

Literature cited by the submitters: PubMed 8550833; PubMed 18805740.